The following is an entry in ClinVar:

NM_004304.5(ALK):c.3101C>T (p.Ser1034Leu)

Gene: ALK (ALK receptor tyrosine kinase; minus strand). Cytogenetic location: 2p23.2.
Variant type: single nucleotide variant.
Coding change: c.3101C>T on transcript NM_004304.5 (MANE Select); coding-DNA position 3101, C replaced by T.
Protein change: p.Ser1034Leu; replaces serine 1034 with leucine.
Molecular consequence: missense variant.
Genome position (GRCh38, 1-based): chr2:29,225,532, G>A on the plus strand (C>T on the coding strand, the complement: ALK is on the minus strand). VCF-style: chr2-29225532-G-A. GRCh37 (hg19) VCF-style: chr2-29448398-G-A.
Other names: short protein forms S1034L.
Identifiers: ClinVar variation 951333 (VCV000951333.8), dbSNP rs900240239, ClinGen allele CA44633237.

ClinVar aggregate classification (germline): Uncertain significance. Review status: criteria provided, multiple submitters, no conflicts (2 of 4 stars). 2 submissions from 2 submitters: Uncertain significance (2). Last evaluated 2024-06-18.

Conditions:
Neuroblastoma, susceptibility to, 3. Also called: ALK-Related Neuroblastic Tumor Susceptibility. Identifiers: Orphanet 635, MedGen C2751681, MONDO:0013083, OMIM 613014.
Hereditary cancer-predisposing syndrome. Also called: Hereditary neoplastic syndrome; Tumor predisposition; Neoplastic Syndromes, Hereditary; Hereditary Cancer Syndrome. Identifiers: Orphanet 140162, MedGen C0027672, MeSH D009386, MONDO:0015356.

Allele frequency attached by ClinVar (database versions not stated): gnomAD exomes 0.00001; TOPMed 0.00001.
gnomAD v4.1: 8 of 1,613,260 alleles (0.0005%); highest among the groups gnomAD compares: African/African-American, 0.0013%; no homozygotes.

Submissions (2):

Labcorp Genetics (formerly Invitae), Labcorp
Classification: Uncertain significance for Neuroblastoma, susceptibility to, 3. Last evaluated: 2024-06-18. Review status: criteria provided, single submitter. Criteria: Invitae Variant Classification Sherloc (09022015). Collection method: clinical testing. Allele origin: germline.
Comment: This sequence change replaces serine, which is neutral and polar, with leucine, which is neutral and non-polar, at codon 1034 of the ALK protein (p.Ser1034Leu). This variant is not present in population databases (gnomAD no frequency). This variant has not been reported in the literature in individuals affected with ALK-related conditions. ClinVar contains an entry for this variant (Variation ID: 951333). An algorithm developed to predict the effect of missense changes on protein structure and function (PolyPhen-2) suggests that this variant is likely to be disruptive. In summary, the available evidence is currently insufficient to determine the role of this variant in disease. Therefore, it has been classified as a Variant of Uncertain Significance.

Ambry Genetics
Classification: Uncertain significance for Hereditary cancer-predisposing syndrome. Last evaluated: 2024-03-20. Review status: criteria provided, single submitter. Criteria: Ambry Variant Classification Scheme 2023. Collection method: clinical testing. Allele origin: germline.
Comment: The p.S1034L variant (also known as c.3101C>T), located in coding exon 19 of the ALK gene, results from a C to T substitution at nucleotide position 3101. The serine at codon 1034 is replaced by leucine, an amino acid with dissimilar properties. This amino acid position is conserved. In addition, the in silico prediction for this alteration is inconclusive. Based on the available evidence, the clinical significance of this alteration remains unclear.